The following is an entry in ClinVar:

NM_000432.4(MYL2):c.4-15G>T

Genes: MYL2 (myosin light chain 2; minus strand), LOC114827850 (VISTA enhancer hs2149; plus strand). Cytogenetic location: 12q24.11.
Variant type: single nucleotide variant.
Coding change: c.4-15G>T on transcript NM_000432.4 (MANE Select); 15 bases into the intron before coding-DNA position 4, G replaced by T.
Molecular consequence: intron variant.
Genome position (GRCh38, 1-based): chr12:110,919,208, C>A on the plus strand (G>T on the coding strand, the complement: MYL2 is on the minus strand). VCF-style: chr12-110919208-C-A. GRCh37 (hg19) VCF-style: chr12-111357012-C-A.
Other names: c.-54-15G>T (NM_001406916.1); c.4-15G>T (NM_001406745.1).
Identifiers: ClinVar variation 3072991 (VCV003072991.1), dbSNP rs2499815156, ClinGen allele CA2620917718.

ClinVar aggregate classification (germline): Likely benign (1 of 4 stars; one submission).

Conditions:
Hypertrophic cardiomyopathy. Also called: HYPERTROPHIC MYOCARDIOPATHY. Identifiers: Orphanet 217569, MedGen C0007194, MeSH D002312, MONDO:0005045, HP:0001639.

Allele frequency attached by ClinVar (database versions not stated): gnomAD exomes below 0.00001.
gnomAD v4.1: 1 of 1,610,626 alleles (0.000062%); highest among the groups gnomAD compares: East Asian, 0.0022%; no homozygotes.

Submission:

All of Us Research Program, National Institutes of Health
Classification: Likely benign for Hypertrophic cardiomyopathy. Last evaluated: 2023-08-15. Review status: criteria provided, single submitter. Criteria: ACMG Guidelines, 2015. Collection method: clinical testing. Allele origin: germline. Inheritance: Autosomal dominant inheritance. Observed: 1 variant allele, 1 heterozygote.
Comment: This study involves interpretation of variants in research participants for the purpose of population health screening. Participant phenotype was not available at the time of variant classification. Additional details can be found in publication PMID: 35346344, PMCID: PMC8962531